The following is an entry in ClinVar:

ClinVar aggregate classification (germline): Uncertain significance (1 of 4 stars; one submission).

Conditions:
Hajdu-Cheney syndrome (HJCYS). Also called: ACROOSTEOLYSIS WITH OSTEOPOROSIS AND CHANGES IN SKULL AND MANDIBLE; SERPENTINE FIBULA-POLYCYSTIC KIDNEY SYNDROME; Acroosteolysis dominant type. Identifiers: Orphanet 955, MedGen C0917715, MONDO:0007057, OMIM 102500.

Submission:

Labcorp Genetics (formerly Invitae), Labcorp
Classification: Uncertain significance for Hajdu-Cheney syndrome. Last evaluated: 2023-11-18. Review status: criteria provided, single submitter. Criteria: Invitae Variant Classification Sherloc (09022015). Collection method: clinical testing. Allele origin: germline.
Comment: This variant is a gross deletion of the genomic region encompassing exon(s) 13-14 of the NOTCH2 gene. This variant would be expected to be in-frame, preserving the integrity of the reading frame. This variant has not been reported in the literature in individuals affected with NOTCH2-related conditions. Experimental studies and prediction algorithms are not available or were not evaluated, and the functional significance of this variant is currently unknown. In summary, the available evidence is currently insufficient to determine the role of this variant in disease. Therefore, it has been classified as a Variant of Uncertain Significance.

NC_000001.10:g.(?_120496146)_(120497875_?)del

Gene: NOTCH2 (notch receptor 2; minus strand). Cytogenetic location: 1p12.
Variant type: Deletion.
Identifiers: ClinVar variation 1449240 (VCV001449240.7).